The following is an entry in ClinVar:

NM_000238.4(KCNH2):c.2442_2451del (p.Arg814fs)

Gene: KCNH2 (potassium voltage-gated channel subfamily H member 2; minus strand). Cytogenetic location: 7q36.1.
Variant type: Deletion.
Coding change: c.2442_2451del on transcript NM_000238.4 (MANE Select); coding-DNA positions 2442 to 2451, 10 bases deleted (GCCTGGCAAG; older notation c.2442_2451delGCCTGGCAAG).
Protein change: p.Arg814fs; shifts the reading frame from arginine 814.
Molecular consequence: frameshift variant.
Genome position (GRCh38, 1-based): chr7:150,948,997-150,949,006, CTTGCCAGGC deleted on the plus strand (GCCTGGCAAG on the coding strand, the reverse complement: KCNH2 is on the minus strand); deleting any 10 consecutive bases within chr7:150,948,997-150,949,011 gives the same sequence; the c. name uses the placement nearest the transcript's 3' end. VCF-style (leftmost placement, unchanged base first): chr7-150948996-ACTTGCCAGGC-A. GRCh37 (hg19) VCF-style: chr7-150646084-ACTTGCCAGGC-A.
Other names: c.1422_1431del, p.Arg474fs (NM_172057.3); c.2442_2451del10 (NM_000238.3); short protein forms R814fs, R474fs.
Identifiers: ClinVar variation 519234 (VCV000519234.9), dbSNP rs1554424849, ClinGen allele CA658797040.
Genomic context (GRCh38, chr7:150,948,996, plus strand): 5'-GGTCGTCCCGATGGATCTTGTGTAGGTCACAGTAGGTGAGGGCCCGCACATCCCCGTTCG[ACTTGCCAGGC>A]CTTGCATACAGGTTCAGAGGCTCCCCAAAGATGTCATTCTTCCCTGGAGGCCATGGAGAG-3'

ClinVar aggregate classification (germline): Pathogenic. Review status: criteria provided, multiple submitters, no conflicts (2 of 4 stars). 2 submissions from 2 submitters: Pathogenic (2). Last evaluated 2022-06-25.

Conditions:
Long QT syndrome (LQTS). Identifiers: MedGen C0023976, MeSH D008133, MONDO:0002442. Disease mechanism: loss of function. Inheritance: Various modes of inheritance.
Cardiovascular phenotype. Identifiers: MedGen CN230736.

Submissions (2):

Labcorp Genetics (formerly Invitae), Labcorp
Classification: Pathogenic for Long QT syndrome. Last evaluated: 2022-06-25. Review status: criteria provided, single submitter. Criteria: Invitae Variant Classification Sherloc (09022015). Collection method: clinical testing. Allele origin: germline.
Comment: For these reasons, this variant has been classified as Pathogenic. ClinVar contains an entry for this variant (Variation ID: 519234). This variant has not been reported in the literature in individuals affected with KCNH2-related conditions. This variant is not present in population databases (gnomAD no frequency). This sequence change creates a premature translational stop signal (p.Arg814Serfs*51) in the KCNH2 gene. It is expected to result in an absent or disrupted protein product. Loss-of-function variants in KCNH2 are known to be pathogenic (PMID: 10973849, 19862833).

Ambry Genetics
Classification: Pathogenic for Cardiovascular phenotype. Last evaluated: 2020-09-24. Review status: criteria provided, single submitter. Criteria: Ambry Variant Classification Scheme 2023. Collection method: clinical testing. Allele origin: germline.
Comment: The c.2442_2451del10 pathogenic mutation, located in coding exon 10 of the KCNH2 gene, results from a deletion of 10 nucleotides at positions 2442 to 2451, causing a translational frameshift with a predicted alternate stop codon (p.R814Sfs*51). This alteration is expected to result in loss of function by premature protein truncation or nonsense-mediated mRNA decay. As such, this alteration is interpreted as a disease-causing mutation.

Literature cited by the submitters: PubMed 10973849 (cited by Labcorp Genetics (formerly Invitae), Labcorp); PubMed 19862833 (cited by Labcorp Genetics (formerly Invitae), Labcorp).